The following is an entry in ClinVar:

NM_001848.3(COL6A1):c.2736C>T (p.Asp912=)

Gene: COL6A1 (collagen type VI alpha 1 chain; plus strand). Cytogenetic location: 21q22.3.
Variant type: single nucleotide variant.
Coding change: c.2736C>T on transcript NM_001848.3 (MANE Select); coding-DNA position 2736, C replaced by T.
Protein change: p.Asp912=; no amino-acid change (aspartic acid 912 retained).
Molecular consequence: synonymous variant.
Genome position (GRCh38, 1-based): chr21:46,003,662, C>T. VCF-style: chr21-46003662-C-T. GRCh37 (hg19) VCF-style: chr21-47423576-C-T.
Other names: p.Asp912=.
Identifiers: ClinVar variation 93866 (VCV000093866.30), dbSNP rs13879, ClinGen allele CA147389.
Genomic context (GRCh38, chr21:46,003,662, plus strand): 5'-GTTCCTGCAGAACTACACGGCCCTGGCCAGTGCCGTCGATGCCATGGACTTTATCAACGA[C>T]GCCACCGACGTCAACGATGCCCTGGGCTATGTGACCCGCTTCTACCGCGAGGCCTCGTCC-3'
Protein context (NP_001839.2, residues 902-922): SAVDAMDFIN[Asp912=]ATDVNDALGY

ClinVar aggregate classification (germline): Benign. Review status: criteria provided, multiple submitters, no conflicts (2 of 4 stars). 12 submissions from 12 submitters: Benign (8). 4 of the submissions do not count toward it. Last evaluated 2026-02-04.

Conditions:
Collagen 6-related myopathy. Identifiers: MedGen CN117976, MONDO:0100225.
Bethlem myopathy 1A. Also called: Bethlem myopathy 1; Bethlem Muscular Dystrophy; MYOPATHY, BENIGN CONGENITAL, WITH CONTRACTURES. Identifiers: Orphanet 610, MedGen CN029274, MONDO:0024530, OMIM 158810.

Allele frequency attached by ClinVar (database versions not stated): 1000 Genomes Project 30x 0.00953; gnomAD exomes 0.02028 and 0.02708; gnomAD 0.02053 and 0.01968; 1000 Genomes Project 0.00978; ExAC 0.02029; TOPMed 0.01950; ESP Exome Variant Server 0.02291.
gnomAD v4.1: 42,513 of 1,613,080 alleles (2.6%); highest among the groups gnomAD compares: Non-Finnish European, 3.1%; 690 homozygotes.

Submissions (12):

Labcorp Genetics (formerly Invitae), Labcorp
Classification: Benign for Bethlem myopathy 1A. Last evaluated: 2026-02-04. Review status: criteria provided, single submitter. Criteria: Invitae Variant Classification Sherloc (09022015). Collection method: clinical testing. Allele origin: germline.

Athena Diagnostics
Classification: Benign. Last evaluated: 2023-12-12. Review status: criteria provided, single submitter. Criteria: Athena Diagnostics Criteria. Collection method: clinical testing. Allele origin: unknown.

Illumina Laboratory Services, Illumina
Classification: Benign for Collagen VI-related myopathy. Last evaluated: 2018-01-12. Review status: criteria provided, single submitter. Criteria: ICSL Variant Classification Criteria 13 December 2019. Collection method: clinical testing. Allele origin: germline.
Comment: This variant was observed in the ICSL laboratory as part of a predisposition screen in an ostensibly healthy population. It had not been previously curated by ICSL or reported in the Human Gene Mutation Database (HGMD: prior to June 1st, 2018), and was therefore a candidate for classification through an automated scoring system. Utilizing variant allele frequency, disease prevalence and penetrance estimates, and inheritance mode, an automated score was calculated to assess if this variant is too frequent to cause the disease. Based on the score and internal cut-off values, a variant classified as benign is not then subjected to further curation. The score for this variant resulted in a classification of benign for this disease.

Mayo Clinic Laboratories, Mayo Clinic
Classification: Benign. Last evaluated: 2018-01-12. Review status: criteria provided, single submitter. Criteria: ACMG Guidelines, 2015. Collection method: clinical testing. Allele origin: germline. Observed: 48 variant alleles.

GeneDx
Classification: Benign. Last evaluated: 2016-03-12. Review status: criteria provided, single submitter. Criteria: GeneDx Variant Classification (06012015). Collection method: clinical testing. Allele origin: germline. Affected: yes.
Comment: This variant is considered likely benign or benign based on one or more of the following criteria: it is a conservative change, it occurs at a poorly conserved position in the protein, it is predicted to be benign by multiple in silico algorithms, and/or has population frequency not consistent with disease.

Eurofins Ntd Llc (ga)
Classification: Benign. Last evaluated: 2012-08-23. Review status: criteria provided, single submitter. Criteria: EGL Classification Definitions 2015. Collection method: clinical testing. Allele origin: germline. Observed: 1 variant allele, 1 heterozygote.

Breakthrough Genomics
Classification: Benign. Review status: criteria provided, single submitter. Criteria: ACMG Guidelines, 2015. Collection method: not provided. Allele origin: germline. Inheritance: Autosomal recessive inheritance. Affected: yes.

PreventionGenetics, part of Exact Sciences
Classification: Benign. Review status: criteria provided, single submitter. Criteria: ACMG Guidelines, 2015. Collection method: clinical testing. Allele origin: germline.

Clinical Genetics, Academic Medical Center
Classification: Benign. Review status: no assertion criteria provided. Collection method: clinical testing. Allele origin: germline. Affected: yes. Study: VKGL Data-share Consensus. Not counted in ClinVar's aggregate classification.

Genetic Services Laboratory, University of Chicago
Classification: Likely benign for AllHighlyPenetrant. Review status: no assertion criteria provided. Collection method: clinical testing. Allele origin: germline. Not counted in ClinVar's aggregate classification.
Comment: Likely benign based on allele frequency in 1000 Genomes Project or ESP global frequency and its presence in a patient with a rare or unrelated disease phenotype. NOT Sanger confirmed.

Joint Genome Diagnostic Labs from Nijmegen and Maastricht, Radboudumc and MUMC+
Classification: Benign. Review status: no assertion criteria provided. Collection method: clinical testing. Allele origin: germline. Affected: yes. Study: VKGL Data-share Consensus. Not counted in ClinVar's aggregate classification.

Laboratory of Diagnostic Genome Analysis, Leiden University Medical Center (LUMC)
Classification: Likely benign. Review status: no assertion criteria provided. Collection method: clinical testing. Allele origin: germline. Affected: yes. Study: VKGL Data-share Consensus. Not counted in ClinVar's aggregate classification.

Literature cited by the submitters: PubMed 20976770 (cited by Athena Diagnostics); PubMed 27418678 (cited by Athena Diagnostics).